The following is an entry in ClinVar:

ClinVar aggregate classification (germline): Uncertain significance (1 of 4 stars; one submission).

Conditions:
Alagille syndrome due to a JAG1 point mutation. Also called: HEPATIC DUCTULAR HYPOPLASIA, SYNDROMATIC; JAG1-Related Alagille Syndrome; Alagille Syndrome 1. Identifiers: Orphanet 261619, Orphanet 52, MedGen C1956125, MONDO:0016862, OMIM 118450.

Allele frequency attached by ClinVar (database versions not stated): ESP Exome Variant Server 0.00008.
gnomAD v4.1: 3 of 1,613,870 alleles (0.00019%); highest among the groups gnomAD compares: African/African-American, 0.004%; no homozygotes.

Submission:

Labcorp Genetics (formerly Invitae), Labcorp
Classification: Uncertain significance for Alagille syndrome due to a JAG1 point mutation. Last evaluated: 2025-10-22. Review status: criteria provided, single submitter. Criteria: Invitae Variant Classification Sherloc (09022015). Collection method: clinical testing. Allele origin: germline.
Comment: This sequence change replaces isoleucine, which is neutral and non-polar, with methionine, which is neutral and non-polar, at codon 1000 of the JAG1 protein (p.Ile1000Met). This variant is not present in population databases (gnomAD no frequency). This variant has not been reported in the literature in individuals affected with JAG1-related conditions. ClinVar contains an entry for this variant (Variation ID: 2712257). Invitae Evidence Modeling of protein sequence and biophysical properties (such as structural, functional, and spatial information, amino acid conservation, physicochemical variation, residue mobility, and thermodynamic stability) indicates that this missense variant is not expected to disrupt JAG1 protein function with a negative predictive value of 95%. In summary, the available evidence is currently insufficient to determine the role of this variant in disease. Therefore, it has been classified as a Variant of Uncertain Significance.

NM_000214.3(JAG1):c.3000C>G (p.Ile1000Met)

Gene: JAG1 (jagged canonical Notch ligand 1; minus strand). Cytogenetic location: 20p12.2.
Variant type: single nucleotide variant.
Coding change: c.3000C>G on transcript NM_000214.3 (MANE Select); coding-DNA position 3000, C replaced by G.
Protein change: p.Ile1000Met; replaces isoleucine 1000 with methionine.
Molecular consequence: missense variant.
Genome position (GRCh38, 1-based): chr20:10,641,161, G>C on the plus strand (C>G on the coding strand, the complement: JAG1 is on the minus strand). VCF-style: chr20-10641161-G-C. GRCh37 (hg19) VCF-style: chr20-10621809-G-C.
Other names: short protein forms I1000M.
Identifiers: ClinVar variation 2712257 (VCV002712257.3), dbSNP rs373759023, ClinGen allele CA311368403.
Genomic context (GRCh38, chr20:10,641,161, plus strand): 5'-TCTTATACTTACAATGGCCACATGTATTTCATTGTTCGCTGAAGGGGAAGGCTCGCAAGC[G>C]ATGTAGATTGAATATTCAGCGGAAACATTCTTCAAAATATTCAAATTCCTCAATTCACTG-3'
Protein context (NP_000205.1, residues 990-1010): KNVSAEYSIY[Ile1000Met]ACEPSPSANN